The following is an entry in ClinVar:

ClinVar aggregate classification (germline): Likely benign (1 of 4 stars; one submission).

Allele frequency attached by ClinVar (database versions not stated): 1000 Genomes Project 0.00060; 1000 Genomes Project 30x 0.00078; TOPMed 0.00169; gnomAD 0.00282.
gnomAD v4.1: 427 of 152,184 alleles (0.28%); highest among the groups gnomAD compares: Non-Finnish European, 0.35%; 2 homozygotes.

Submission:

CeGaT Center for Human Genetics Tuebingen
Classification: Likely benign. Last evaluated: 2026-09-01. Review status: criteria provided, single submitter. Criteria: CeGaT Center For Human Genetics Tuebingen Variant Classification Criteria Version 2. Collection method: clinical testing. Allele origin: germline. Affected: yes. Observed: 19 variant alleles.
Comment: TLK2: BP4, BP7, BS1

NM_006852.6(TLK2):c.-6+235G>C

Genes: TLK2 (tousled like kinase 2; plus strand), LOC130061370 (ATAC-STARR-seq lymphoblastoid silent region 8808; plus strand). Cytogenetic location: 17q23.2.
Variant type: single nucleotide variant.
Coding change: c.-6+235G>C on transcript NM_006852.6 (MANE Select); 235 bases into the intron after 6 bases upstream of the start codon, G replaced by C.
Molecular consequence: intron variant. On other transcripts: synonymous variant (1).
Genome position (GRCh38, 1-based): chr17:62,479,525, G>C. VCF-style: chr17-62479525-G-C. GRCh37 (hg19) VCF-style: chr17-60556886-G-C.
Other names: c.48G>C, p.Pro16= (NM_001375269.1); c.-3+1444G>C (NM_001375271.1); c.-500+235G>C (NM_001375273.1); c.-3+235G>C (NM_001375270.1, NM_001375272.1, NM_001411074.1 and 1 more transcripts); c.-503+235G>C (NM_001330418.3).
Identifiers: ClinVar variation 2648025 (VCV002648025.24), dbSNP rs540906438, ClinGen allele CA292829217.